The following is an entry in ClinVar:

ClinVar aggregate classification (germline): Pathogenic (1 of 4 stars; one submission).

Conditions:
Galactosylceramide beta-galactosidase deficiency. Also called: GALACTOCEREBROSIDASE DEFICIENCY; GALC DEFICIENCY; GLOBOID CELL LEUKOENCEPHALOPATHY; Leukodystrophy, Globoid Cell; Krabbe Disease. Identifiers: Orphanet 487, MedGen C0023521, MONDO:0009499, OMIM 245200.

Submission:

Myriad Genetics, Inc.
Classification: Pathogenic for Galactosylceramide beta-galactosidase deficiency. Last evaluated: 2026-07-01. Review status: criteria provided, single submitter. Criteria: Myriad Autosomal Dominant, Autosomal Recessive and X-Linked Classification Criteria (2023). Collection method: clinical testing. Allele origin: unknown.
Comment: NM_000153.3(GALC):c.1170delA(K390Nfs*67) is expected to be pathogenic in the context of Krabbe disease. This variant is predicted to lead to an abnormal or absent protein product due to the creation of a premature termination codon in GALC, a gene where loss-of-function variants are known to be pathogenic. Please note: this variant was assessed in the context of healthy population screening.

NM_000153.4(GALC):c.1170del (p.Lys390fs)

Gene: GALC (galactosylceramidase; minus strand). Cytogenetic location: 14q31.3.
Variant type: Deletion.
Coding change: c.1170del on transcript NM_000153.4 (MANE Select); coding-DNA position 1170, one base deleted (A; older notation c.1170delA).
Protein change: p.Lys390fs; shifts the reading frame from lysine 390.
Molecular consequence: frameshift variant. On other transcripts: non-coding transcript variant (1).
Genome position (GRCh38, 1-based): chr14:87,950,740, T deleted on the plus strand (A on the coding strand, the reverse complement: GALC is on the minus strand); the first of 3 consecutive T bases (chr14:87,950,740-87,950,742); deleting any one gives the same sequence. VCF-style (leftmost placement, unchanged base first): chr14-87950739-GT-G. GRCh37 (hg19) VCF-style: chr14-88417083-GT-G.
Other names: c.1101del, p.Lys367fs (NM_001201401.2); c.1092del, p.Lys364fs (NM_001201402.2); c.1002del, p.Lys334fs (NM_001424071.1, NM_001424072.1, NM_001424073.1); c.822del, p.Lys274fs (NM_001424074.1, NM_001424075.1); c.537del, p.Lys179fs (NM_001424076.1, NM_001424077.1); short protein forms K179fs, K274fs, K334fs, K364fs, K367fs, K390fs.
Identifiers: ClinVar variation 5016101 (VCV005016101.1).